The following is an entry in ClinVar:

NM_138576.4(BCL11B):c.2385C>T (p.Ser795=)

Gene: BCL11B (BCL11 transcription factor B; minus strand). Cytogenetic location: 14q32.2.
Variant type: single nucleotide variant.
Coding change: c.2385C>T on transcript NM_138576.4 (MANE Select); coding-DNA position 2385, C replaced by T.
Protein change: p.Ser795=; no amino-acid change (serine 795 retained).
Molecular consequence: synonymous variant.
Genome position (GRCh38, 1-based): chr14:99,174,451, G>A on the plus strand (C>T on the coding strand, the complement: BCL11B is on the minus strand). VCF-style: chr14-99174451-G-A. GRCh37 (hg19) VCF-style: chr14-99640788-G-A.
Other names: c.2382C>T, p.Ser794= (NM_001282237.2); c.2169C>T, p.Ser723= (NM_001282238.2); c.2172C>T, p.Ser724= (NM_022898.3).
Identifiers: ClinVar variation 2173174 (VCV002173174.28), dbSNP rs755084051, ClinGen allele CA7339497.
Genomic context (GRCh38, chr14:99,174,451, plus strand): 5'-CCGGTGCACCGTCAAGTTGCTGCAGTTCTTGAACACCTTGCCGCAGTACTCGCACGTGTC[G>A]CTGCGGCGGCCCTCCTTGGAGCTGGGCCGCCCGGGGCCCGGGCCGCCCAGGTGCGGGGTG-3'
Protein context (NP_612808.1, residues 785-805): GRPSSKEGRR[Ser795=]DTCEYCGKVF

ClinVar aggregate classification (germline): Likely benign. Review status: criteria provided, multiple submitters, no conflicts (2 of 4 stars). 2 submissions from 2 submitters: Likely benign (2). Last evaluated 2026-01-08.

Allele frequency attached by ClinVar (database versions not stated): ExAC 0.00002; gnomAD 0.00005; TOPMed 0.00005.
gnomAD v4.1: 93 of 1,608,186 alleles (0.0058%); highest among the groups gnomAD compares: Non-Finnish European, 0.0076%; 1 homozygote.

Submissions (2):

Labcorp Genetics (formerly Invitae), Labcorp
Classification: Likely benign. Last evaluated: 2026-01-08. Review status: criteria provided, single submitter. Criteria: Invitae Variant Classification Sherloc (09022015). Collection method: clinical testing. Allele origin: germline.

CeGaT Center for Human Genetics Tuebingen
Classification: Likely benign. Last evaluated: 2023-10-01. Review status: criteria provided, single submitter. Criteria: CeGaT Center For Human Genetics Tuebingen Variant Classification Criteria Version 2. Collection method: clinical testing. Allele origin: germline. Affected: yes. Observed: 1 variant allele.
Comment: BCL11B: BP4, BP7